The following is an entry in ClinVar:

ClinVar aggregate classification (germline): Conflicting classifications of pathogenicity. Review status: criteria provided, conflicting classifications (1 of 4 stars). 5 submissions from 5 submitters: Uncertain significance (4); Benign (1). Last evaluated 2025-12-24.

Conditions:
KMT2D-related disorder. Also called: KMT2D-Related Disorders.
Kabuki syndrome 1 (KABUK1). Also called: KMT2D-Related Kabuki Syndrome. Identifiers: Orphanet 2322, MedGen CN030661, MONDO:0007843, OMIM 147920.
Choanal atresia-athelia-hypothyroidism-delayed puberty-short stature syndrome (BCAHH). Also called: BRANCHIAL ARCH ABNORMALITIES, CHOANAL ATRESIA, ATHELIA, HEARING LOSS, AND HYPOTHYROIDISM SYNDROME. Identifiers: Orphanet 589856, MedGen C5680310, MONDO:0035651, OMIM 620186.
Kabuki syndrome. Also called: Kabuki make-up syndrome; NIIKAWA-KUROKI SYNDROME. Identifiers: Orphanet 2322, MedGen C0796004, MONDO:0016512.

Allele frequency attached by ClinVar (database versions not stated): gnomAD 0.00001 and 0.00002; TOPMed 0.00002; ExAC 0.00004.
gnomAD v4.1: 69 of 1,613,616 alleles (0.0043%); highest among the groups gnomAD compares: South Asian, 0.025%; no homozygotes.

Submissions (5):

PreventionGenetics, part of Exact Sciences
Classification: Uncertain significance for KMT2D-related condition. Last evaluated: 2025-12-24. Review status: criteria provided, single submitter. Criteria: ACMG Guidelines, 2015. Collection method: clinical testing. Allele origin: germline.
Comment: The KMT2D c.6844C>T variant is predicted to result in the amino acid substitution p.Arg2282Trp. This variant was reported in an individual with Kabuki syndrome (Table S3-1, Faundes et al. 2019. PubMed ID: 30459467). This variant was also reported in an individual with hyperinsulinism (Table 1, Rosenfeld et al. 2024. PubMed ID: 38859884). This variant is reported in 0.013% of alleles in individuals of South Asian descent in gnomAD, which may be too common to be a primary cause of disease. Although we suspect that this variant may be benign, at this time, the clinical significance of this variant is uncertain due to the absence of conclusive functional and genetic evidence.

Labcorp Genetics (formerly Invitae), Labcorp
Classification: Benign for Kabuki syndrome. Last evaluated: 2024-12-16. Review status: criteria provided, single submitter. Criteria: Invitae Variant Classification Sherloc (09022015). Collection method: clinical testing. Allele origin: germline.

Fulgent Genetics
Classification: Uncertain significance for Kabuki syndrome 1; Choanal atresia-athelia-hypothyroidism-delayed puberty-short stature syndrome. Last evaluated: 2024-01-10. Review status: criteria provided, single submitter. Criteria: ACMG Guidelines, 2015. Collection method: clinical testing. Allele origin: germline.

Genetic Services Laboratory, University of Chicago
Classification: Uncertain significance for Kabuki syndrome 1. Last evaluated: 2013-08-16. Review status: criteria provided, single submitter. Criteria: ACMG Guidelines, 2007. Collection method: clinical testing. Allele origin: germline. Inheritance: Autosomal dominant inheritance.

Breakthrough Genomics
Classification: Uncertain significance. Review status: criteria provided, single submitter. Criteria: ACMG Guidelines, 2015. Collection method: not provided. Allele origin: germline. Inheritance: Autosomal dominant inheritance. Affected: yes.

NM_003482.4(KMT2D):c.6844C>T (p.Arg2282Trp)

Gene: KMT2D (lysine methyltransferase 2D; minus strand). Cytogenetic location: 12q13.12.
Variant type: single nucleotide variant.
Coding change: c.6844C>T on transcript NM_003482.4 (MANE Select); coding-DNA position 6844, C replaced by T.
Protein change: p.Arg2282Trp; replaces arginine 2282 with tryptophan.
Molecular consequence: missense variant.
Genome position (GRCh38, 1-based): chr12:49,040,926, G>A on the plus strand (C>T on the coding strand, the complement: KMT2D is on the minus strand). VCF-style: chr12-49040926-G-A. GRCh37 (hg19) VCF-style: chr12-49434709-G-A.
Other names: short protein forms R2282W.
Identifiers: ClinVar variation 158781 (VCV000158781.17), dbSNP rs587783726, ClinGen allele CA271653.